The following is an entry in ClinVar:

NM_002294.3(LAMP2):c.*3494A>G

Gene: LAMP2 (lysosome associated membrane protein 2; minus strand). Cytogenetic location: Xq24.
Variant type: single nucleotide variant.
Coding change: c.*3494A>G on transcript NM_002294.3 (MANE Select); 3494 bases downstream of the stop codon, A replaced by G.
Molecular consequence: 3 prime UTR variant.
Genome position (GRCh38, 1-based): chrX:120,427,829, T>C on the plus strand (A>G on the coding strand, the complement: LAMP2 is on the minus strand). VCF-style: chrX-120427829-T-C. GRCh37 (hg19) VCF-style: chrX-119561684-T-C.
Other names: c.*655A>G (NM_001122606.1).
Identifiers: ClinVar variation 914575 (VCV000914575.4), dbSNP rs180681121, ClinGen allele CA335012109.

ClinVar aggregate classification (germline): Benign (1 of 4 stars; one submission).

Conditions:
Danon disease. Also called: ANTOPOL DISEASE; PSEUDOGLYCOGENOSIS II; GSD IIb; LYSOSOMAL GLYCOGEN STORAGE DISEASE WITHOUT ACID MALTASE DEFICIENCY; Glycogen Storage Disease Type IIb. Identifiers: Orphanet 34587, MedGen C0878677, MONDO:0010281, OMIM 300257.

Allele frequency attached by ClinVar (database versions not stated): 1000 Genomes Project 30x 0.00062; 1000 Genomes Project 0.00079; TOPMed 0.00167; gnomAD 0.00169 and 0.00187.
gnomAD v4.1: 186 of 111,583 alleles (0.17%); highest among the groups gnomAD compares: African/African-American, 0.58%; 2 homozygotes.

Submission:

Illumina Laboratory Services, Illumina
Classification: Benign for Danon disease. Last evaluated: 2018-01-13. Review status: criteria provided, single submitter. Criteria: ICSL Variant Classification Criteria 13 December 2019. Collection method: clinical testing. Allele origin: germline.
Comment: This variant was observed in the ICSL laboratory as part of a predisposition screen in an ostensibly healthy population. It had not been previously curated by ICSL or reported in the Human Gene Mutation Database (HGMD: prior to June 1st, 2018), and was therefore a candidate for classification through an automated scoring system. Utilizing variant allele frequency, disease prevalence and penetrance estimates, and inheritance mode, an automated score was calculated to assess if this variant is too frequent to cause the disease. Based on the score and internal cut-off values, a variant classified as benign is not then subjected to further curation. The score for this variant resulted in a classification of benign for this disease.